The following is an entry in ClinVar:

ClinVar aggregate classification (germline): not provided. Review status: no classification provided (0 of 4 stars). 4 submissions from 1 submitter: not provided (4).

Conditions:
Preeclampsia. Identifiers: Orphanet 275555, MedGen C0032914, MONDO:0005081, HP:0100602.
Large for gestational age. Identifiers: MedGen C1848395, HP:0001520.
Small for gestational age. Also called: Low birth weight. Identifiers: MedGen C0235991, HP:0001518.
Gestational diabetes mellitus uncontrolled. Identifiers: MedGen C3532257.

Submissions (4):

Institute of Molecular and Cell Biology, University of Tartu
No classification provided. Condition: Small for gestational age. Review status: no classification provided. Collection method: case-control. Allele origin: unknown. Affected: yes. Study: Kasak2014.
Comment: The study aimed to determine the contribution of copy number variants in the genetic etiology of normal and complicated pregnancies. The samples represented (i) maternal blood DNA drawn from healthy pregnant women during 1st or 2nd trimester and (ii) maternal and paternal blood DNA drawn at term pregnancy cases representing normal and complicated gestations (severe preeclampsia, PE; gestational diabetes, GD; small-for-gestational age newborn, SGA; large-for-gestational age newborn, LGA). We performed CNV calling based on genome-wide genotyping dataset (Illumina HumanOmniExpress-24-v1 BeadChip) by applying three algorithms, QuantiSNP, GADA (Genome Alteration Detection Algorithm) and CNstream in parallel. The acquired CNV calls were merged with HD-CNV (Hotspot Detector for Copy Number Variants) program and only the CNVs predicted by at least two programs, were considered in subsequent analysis.

Institute of Molecular and Cell Biology, University of Tartu
No classification provided. Condition: Large for gestational age. Review status: no classification provided. Collection method: case-control. Allele origin: unknown. Affected: yes. Study: Kasak2014.
Comment: the same text as in the submission from Institute of Molecular and Cell Biology, University of Tartu above.

Institute of Molecular and Cell Biology, University of Tartu
No classification provided. Condition: Preeclampsia. Review status: no classification provided. Collection method: case-control. Allele origin: unknown. Affected: yes. Study: Kasak2014.
Comment: the same text as in the submission from Institute of Molecular and Cell Biology, University of Tartu above.

Institute of Molecular and Cell Biology, University of Tartu
No classification provided. Condition: Gestational diabetes mellitus uncontrolled. Review status: no classification provided. Collection method: case-control. Allele origin: unknown. Affected: yes. Study: Kasak2014.
Comment: the same text as in the submission from Institute of Molecular and Cell Biology, University of Tartu above.

Literature cited by the submitters: PubMed 25666259.

Single allele

Variant type: Deletion.
Identifiers: ClinVar variation 157209 (VCV000157209.2).